The following is an entry in ClinVar:

NM_000512.5(GALNS):c.252G>A (p.Ala84=)

Gene: GALNS (galactosamine (N-acetyl)-6-sulfatase; minus strand). Cytogenetic location: 16q24.3.
Variant type: single nucleotide variant.
Coding change: c.252G>A on transcript NM_000512.5 (MANE Select); coding-DNA position 252, G replaced by A.
Protein change: p.Ala84=; no amino-acid change (alanine 84 retained).
Molecular consequence: synonymous variant. On other transcripts: 5 prime UTR variant (1).
Genome position (GRCh38, 1-based): chr16:88,841,964, C>T on the plus strand (G>A on the coding strand, the complement: GALNS is on the minus strand). VCF-style: chr16-88841964-C-T. GRCh37 (hg19) VCF-style: chr16-88908372-C-T.
Other names: c.-304G>A (NM_001323543.2); c.270G>A, p.Ala90= (NM_001323544.2).
Identifiers: ClinVar variation 632825 (VCV000632825.11), dbSNP rs377250967, ClinGen allele CA8235224.

ClinVar aggregate classification (germline): Likely benign. Review status: criteria provided, multiple submitters, no conflicts (2 of 4 stars). 3 submissions from 3 submitters: Likely benign (2). 1 of the submissions does not count toward it. Last evaluated 2026-01-16.

Conditions:
GALNS-related disorder. Also called: GALNS-related condition.
Mucopolysaccharidosis, MPS-IV-A (MPS4A). Also called: MORQUIO SYNDROME A; MPS IVA; GALACTOSAMINE-6-SULFATASE DEFICIENCY; GALNS DEFICIENCY; MORQUIO A DISEASE; mucopolysaccharidosis type 4A. Identifiers: Orphanet 309297, Orphanet 582, MedGen C0086651, MONDO:0009659, OMIM 253000.

Allele frequency attached by ClinVar (database versions not stated): ESP Exome Variant Server 0.00031; gnomAD 0.00038; TOPMed 0.00045.
gnomAD v4.1: 125 of 1,612,450 alleles (0.0078%); highest among the groups gnomAD compares: African/African-American, 0.11%; no homozygotes.

Submissions (3):

Labcorp Genetics (formerly Invitae), Labcorp
Classification: Likely benign for Mucopolysaccharidosis, MPS-IV-A. Last evaluated: 2026-01-16. Review status: criteria provided, single submitter. Criteria: Invitae Variant Classification Sherloc (09022015). Collection method: clinical testing. Allele origin: germline.

Women's Health and Genetics/Laboratory Corporation of America, LabCorp
Classification: Likely benign. Last evaluated: 2019-08-28. Review status: criteria provided, single submitter. Criteria: LabCorp Variant Classification Summary - May 2015. Collection method: clinical testing. Allele origin: germline.

PreventionGenetics, part of Exact Sciences
Classification: Likely benign for GALNS-related condition. Last evaluated: 2019-08-13. Review status: no assertion criteria provided. Collection method: clinical testing. Allele origin: germline. Not counted in ClinVar's aggregate classification.
Comment: This variant is classified as likely benign based on ACMG/AMP sequence variant interpretation guidelines (Richards et al. 2015 PMID: 25741868, with internal and published modifications).